The following is an entry in ClinVar:

NM_017757.3(ZNF407):c.6007G>A (p.Glu2003Lys)

Gene: ZNF407 (zinc finger protein 407; plus strand). Cytogenetic location: 18q22.3.
Variant type: single nucleotide variant.
Coding change: c.6007G>A on transcript NM_017757.3 (MANE Select); coding-DNA position 6007, G replaced by A.
Protein change: p.Glu2003Lys; replaces glutamic acid 2003 with lysine.
Molecular consequence: missense variant.
Genome position (GRCh38, 1-based): chr18:75,063,728, G>A. VCF-style: chr18-75063728-G-A. GRCh37 (hg19) VCF-style: chr18-72775684-G-A.
Other names: c.6007G>A, p.Glu2003Lys (NM_001384475.1); short protein forms E2003K.
Identifiers: ClinVar variation 212676 (VCV000212676.35), dbSNP rs150419019, ClinGen allele CA209065.

ClinVar aggregate classification (germline): Benign/Likely benign. Review status: criteria provided, multiple submitters, no conflicts (2 of 4 stars). 5 submissions from 5 submitters: Benign (1); Likely benign (3). 1 of the submissions does not count toward it. Last evaluated 2026-09-01.

Conditions:
ZNF407-related disorder. Also called: ZNF407-related condition.

Allele frequency attached by ClinVar (database versions not stated): 1000 Genomes Project 30x 0.00265; 1000 Genomes Project 0.00280; ESP Exome Variant Server 0.00309; TOPMed 0.00338; gnomAD exomes 0.00569 and 0.00603; gnomAD 0.00578 and 0.00602; ExAC 0.00582.
gnomAD v4.1: 9,581 of 1,612,346 alleles (0.59%); highest among the groups gnomAD compares: Non-Finnish European, 0.62%; 65 homozygotes.

Submissions (5):

CeGaT Center for Human Genetics Tuebingen
Classification: Likely benign. Last evaluated: 2026-09-01. Review status: criteria provided, single submitter. Criteria: CeGaT Center For Human Genetics Tuebingen Variant Classification Criteria Version 2. Collection method: clinical testing. Allele origin: germline. Affected: yes. Observed: 16 variant alleles.
Comment: ZNF407: BS2

Labcorp Genetics (formerly Invitae), Labcorp
Classification: Benign. Last evaluated: 2019-12-31. Review status: criteria provided, single submitter. Criteria: Invitae Variant Classification Sherloc (09022015). Collection method: clinical testing. Allele origin: germline.

Genetic Services Laboratory, University of Chicago
Classification: Likely benign. Last evaluated: 2015-03-23. Review status: criteria provided, single submitter. Criteria: ACMG Guidelines, 2015. Collection method: clinical testing. Allele origin: germline.

Breakthrough Genomics
Classification: Likely benign. Review status: criteria provided, single submitter. Criteria: ACMG Guidelines, 2015. Collection method: not provided. Allele origin: germline. Inheritance: Autosomal recessive inheritance. Affected: yes.

PreventionGenetics, part of Exact Sciences
Classification: Likely benign for ZNF407-related condition. Last evaluated: 2024-02-27. Review status: no assertion criteria provided. Collection method: clinical testing. Allele origin: germline. Not counted in ClinVar's aggregate classification.
Comment: This variant is classified as likely benign based on ACMG/AMP sequence variant interpretation guidelines (Richards et al. 2015 PMID: 25741868, with internal and published modifications).